The following is an entry in ClinVar:

NM_000103.4(CYP19A1):c.1001_1002insT (p.Lys334fs)

Genes: CYP19A1 (cytochrome P450 family 19 subfamily A member 1; minus strand), PIRC66 (piwi-interacting RNA cluster 66; plus strand), MIR4713HG (MIR4713 host gene; plus strand). Cytogenetic location: 15q21.2.
Variant type: Insertion.
Coding change: c.1001_1002insT on transcript NM_000103.4 (MANE Select); coding-DNA positions 1001 to 1002, T inserted.
Protein change: p.Lys334fs; shifts the reading frame from lysine 334.
Molecular consequence: frameshift variant.
Genome position: GRCh38 VCF-style: chr15-51215089-C-CA. GRCh37 (hg19) VCF-style: chr15-51507286-C-CA.
Other names: c.1001_1002insT, p.Lys334fs (NM_001347248.1, NM_001347249.2, NM_001347250.2 and 7 more transcripts); short protein forms K334fs.
Identifiers: ClinVar variation 4816264 (VCV004816264.1).

ClinVar aggregate classification (germline): Likely pathogenic (1 of 4 stars; one submission).

Conditions:
Aromatase deficiency. Also called: PSEUDOHERMAPHRODITISM, FEMALE, DUE TO PLACENTAL AROMATASE DEFICIENCY; Increased aromatase activity. Identifiers: Orphanet 91, MedGen C1960539, MONDO:0013301, OMIM 613546.

Submission:

Natera, Inc.
Classification: Likely pathogenic for Aromatase deficiency. Last evaluated: 2024-12-22. Review status: criteria provided, single submitter. Criteria: Natera Variant Classification Schema (03/2026). Collection method: clinical testing. Allele origin: germline.
Comment: The c.1001_1002insT variant in CYP19A1 is a frameshift variant predicted to shift the reading frame beginning at codon 334 and leads to a stop codon 9 codons downstream. This variant is expected to result in nonsense mediated decay, truncation, or a dysfunctional protein product. This variant is rare in the general population with a frequency below the threshold expected for the associated phenotype(s). Given the available evidence, this variant is classified as Likely Pathogenic.